The following is an entry in ClinVar:

NM_182914.3(SYNE2):c.15243T>G (p.Asp5081Glu)

Gene: SYNE2 (spectrin repeat containing nuclear envelope protein 2; plus strand). Cytogenetic location: 14q23.2.
Variant type: single nucleotide variant.
Coding change: c.15243T>G on transcript NM_182914.3 (MANE Select); coding-DNA position 15243, T replaced by G.
Protein change: p.Asp5081Glu; replaces aspartic acid 5081 with glutamic acid.
Molecular consequence: missense variant.
Genome position (GRCh38, 1-based): chr14:64,142,025, T>G. VCF-style: chr14-64142025-T-G. GRCh37 (hg19) VCF-style: chr14-64608743-T-G.
Other names: c.15243T>G, p.Asp5081Glu (NM_015180.6); short protein forms D5081E.
Identifiers: ClinVar variation 843715 (VCV000843715.9), dbSNP rs1439636138, ClinGen allele CA389943093.

ClinVar aggregate classification (germline): Uncertain significance (1 of 4 stars; one submission).

Conditions:
Emery-Dreifuss muscular dystrophy 5, autosomal dominant (EDMD5). Also called: EMERY-DREIFUSS MUSCULAR DYSTROPHY 5. Identifiers: Orphanet 261, MedGen C2751805, MONDO:0013072, OMIM 612999.

Allele frequency attached by ClinVar (database versions not stated): gnomAD 0.00001.
gnomAD v4.1: 1 of 1,614,062 alleles (0.000062%); highest among the groups gnomAD compares: African/African-American, 0.0013%; no homozygotes.

Submission:

Labcorp Genetics (formerly Invitae), Labcorp
Classification: Uncertain significance for Emery-Dreifuss muscular dystrophy 5, autosomal dominant. Last evaluated: 2022-07-19. Review status: criteria provided, single submitter. Criteria: Invitae Variant Classification Sherloc (09022015). Collection method: clinical testing. Allele origin: germline.
Comment: This variant has not been reported in the literature in individuals affected with SYNE2-related conditions. This variant is not present in population databases (gnomAD no frequency). This sequence change replaces aspartic acid, which is acidic and polar, with glutamic acid, which is acidic and polar, at codon 5081 of the SYNE2 protein (p.Asp5081Glu). ClinVar contains an entry for this variant (Variation ID: 843715). In summary, the available evidence is currently insufficient to determine the role of this variant in disease. Therefore, it has been classified as a Variant of Uncertain Significance. Algorithms developed to predict the effect of missense changes on protein structure and function (SIFT, PolyPhen-2, Align-GVGD) all suggest that this variant is likely to be tolerated.